The following is an entry in ClinVar:

ClinVar aggregate classification (germline): Pathogenic. Review status: criteria provided, multiple submitters, no conflicts (2 of 4 stars). 2 submissions from 2 submitters: Pathogenic (2). Last evaluated 2025-11-10.

Conditions:
Hereditary cancer-predisposing syndrome. Also called: Neoplastic Syndromes, Hereditary; Tumor predisposition; Hereditary Cancer Syndrome; Hereditary neoplastic syndrome. Identifiers: Orphanet 140162, MedGen C0027672, MeSH D009386, MONDO:0015356.
Pheochromocytoma. Also called: MAX-Related Hereditary Paraganglioma-Pheochromocytoma Syndrome. Identifiers: Orphanet 29072, MedGen C0031511, MONDO:0008233, OMIM 171300, HP:0002666.
Cowden syndrome 3 (CWS3). Identifiers: Orphanet 201, MedGen CN166604, MONDO:0014045.
Carney-Stratakis syndrome. Also called: PARAGANGLIOMA AND GASTROINTESTINAL STROMAL TUMOR. Identifiers: Orphanet 97286, MedGen C1847319, MONDO:0011740, OMIM 606864.
Paragangliomas with sensorineural hearing loss. Identifiers: MedGen C1868633.

Submissions (2):

Labcorp Genetics (formerly Invitae), Labcorp
Classification: Pathogenic for Carney-Stratakis syndrome; Paragangliomas with sensorineural hearing loss; Pheochromocytoma; Cowden syndrome 3. Last evaluated: 2025-11-10. Review status: criteria provided, single submitter. Criteria: Invitae Variant Classification Sherloc (09022015). Collection method: clinical testing. Allele origin: germline.
Comment: This sequence change is expected to alter the c-terminus of the SDHD protein (p.Tyr114Cysfs*76). While this is not anticipated to result in nonsense mediated decay, it is expected to disrupt the last 46 amino acid(s) of the SDHD protein and extend the protein by 29 additional amino acid residues. This variant is not present in population databases (gnomAD no frequency). This frameshift has been observed in individual(s) with pheochromocytoma and paraganglioma (PMID: 16317055). ClinVar contains an entry for this variant (Variation ID: 1731167). This variant disrupts a region of the SDHD protein in which other variant(s) (p.Gly138Arg) have been determined to be pathogenic (PMID: 29875428, 31492822; internal data). This suggests that this is a clinically significant region of the protein, and that variants that disrupt it are likely to be disease-causing. For these reasons, this variant has been classified as Pathogenic.

Ambry Genetics
Classification: Pathogenic for Hereditary cancer-predisposing syndrome. Last evaluated: 2023-01-09. Review status: criteria provided, single submitter. Criteria: Ambry Variant Classification Scheme 2023. Collection method: clinical testing. Allele origin: germline.
Comment: The c.341_342delAT pathogenic mutation, located in coding exon 4 of the SDHD gene, results from a deletion of two nucleotides at nucleotide positions 341 to 342, causing a translational frameshift with a predicted alternate stop codon (p.Y114Cfs*76). This frameshift occurs at the 3' terminus of SDHD, alters the final 46 amino acids of the protein, and results in the elongation of the protein by 29 residues. This mutation has been identified in multiple patients with paragangliomas (PGL) and pheochromocytomas (PCC) (Benn DE et al. J. Clin. Endocrinol. Metab. 2006 Mar;91:827-36; Santos RJ et al. Revista Portuguesa de Endocrinologia, Diabetes e Metabolismo. 2011;02:7-14; Ambry internal data). In addition, other elongations of SDHD that disrupt this region of the protein have been reported in patients with features of PGL-PCC syndrome (Ambry internal data; Lima J et al. J. Clin. Endocrinol. Metab. 2007 Dec;92(12):4853-64; Persu A et al. J. Hypertens. 2008 Jul;26(7):1395-401; Hermsen MA et al. Cell. Oncol. 2010 Jan;32(4):275-83; Domingues R et al. J. Endocrinol. Invest. 2012 Dec;35(11):975-80). Based on the available evidence, this alteration is interpreted as a disease-causing mutation.

Literature cited by the submitters: PubMed 16317055 (cited by Labcorp Genetics (formerly Invitae), Labcorp and Ambry Genetics); PubMed 29875428 (cited by Labcorp Genetics (formerly Invitae), Labcorp); PubMed 31492822 (cited by Labcorp Genetics (formerly Invitae), Labcorp).

NM_003002.4(SDHD):c.341_342del (p.Tyr114fs)

Gene: SDHD (succinate dehydrogenase complex subunit D; plus strand). Cytogenetic location: 11q23.1.
Variant type: Deletion.
Coding change: c.341_342del on transcript NM_003002.4 (MANE Select); coding-DNA positions 341 to 342, 2 bases deleted (AT; older notation c.341_342delAT).
Protein change: p.Tyr114fs; shifts the reading frame from tyrosine 114.
Molecular consequence: frameshift variant. On other transcripts: 3 prime UTR variant (1), non-coding transcript variant (1).
Genome position (GRCh38, 1-based): chr11:112,094,831-112,094,832, AT deleted; deleting any 2 consecutive bases within chr11:112,094,830-112,094,832 gives the same sequence; the c. name uses the placement nearest the transcript's 3' end. VCF-style (leftmost placement, unchanged base first): chr11-112094829-CTA-C. GRCh37 (hg19) VCF-style: chr11-111965553-CTA-C.
Other names: c.196_197del, p.Met66fs (NM_001276503.2); c.224_225del, p.Tyr75fs (NM_001276504.2); c.*39_*40del (NM_001276506.2); short protein forms Y75fs, Y114fs, M66fs.
Identifiers: ClinVar variation 1731167 (VCV001731167.6), dbSNP rs2498917264, ClinGen allele CA2580083517.
Genomic context (GRCh38, chr11:112,094,829, plus strand): 5'-TTTTTATTGATGTTATGATTTTTTCTTTTTCTTTAGGGGCCTTGGACAAGTTGTTACTGA[CTA>C]TGTTCATGGGGATGCCTTGCAGAAAGCTGCCAAGGCAGGGCTTTTGGCACTTTCAGCTTT-3'